The following is an entry in ClinVar:

ClinVar aggregate classification (germline): Uncertain significance (1 of 4 stars; one submission).

Submission:

Ambry Genetics
Classification: Uncertain significance. Last evaluated: 2024-10-14. Review status: criteria provided, single submitter. Criteria: Ambry Variant Classification Scheme 2023. Collection method: clinical testing. Allele origin: germline.
Comment: The p.S1359T variant (also known as c.4075T>A), located in coding exon 10 of the MLH3 gene, results from a T to A substitution at nucleotide position 4075. The serine at codon 1359 is replaced by threonine, an amino acid with similar properties. This amino acid position is conserved. In addition, this alteration is predicted to be deleterious by in silico analysis. Based on the available evidence, the clinical significance of this variant remains unclear.

NM_001040108.2(MLH3):c.4075T>A (p.Ser1359Thr)

Gene: MLH3 (mutL homolog 3; minus strand). Cytogenetic location: 14q24.3.
Variant type: single nucleotide variant.
Coding change: c.4075T>A on transcript NM_001040108.2 (MANE Select); coding-DNA position 4075, T replaced by A.
Protein change: p.Ser1359Thr; replaces serine 1359 with threonine.
Molecular consequence: missense variant.
Genome position (GRCh38, 1-based): chr14:75,022,829, A>T on the plus strand (T>A on the coding strand, the complement: MLH3 is on the minus strand). VCF-style: chr14-75022829-A-T. GRCh37 (hg19) VCF-style: chr14-75489532-A-T.
Other names: c.4003T>A, p.Ser1335Thr (NM_014381.3); short protein forms S1335T, S1359T.
Identifiers: ClinVar variation 3396746 (VCV003396746.1).